The following is an entry in ClinVar:

ClinVar aggregate classification (germline): Pathogenic (1 of 4 stars; one submission).

Conditions:
Capillary malformation-arteriovenous malformation syndrome. Also called: Capillary malformation-arteriovenous malformation. Identifiers: Orphanet 137667, MedGen C1842180, MONDO:0012016.

Submission:

Labcorp Genetics (formerly Invitae), Labcorp
Classification: Pathogenic for Capillary malformation-arteriovenous malformation syndrome. Last evaluated: 2025-07-29. Review status: criteria provided, single submitter. Criteria: Invitae Variant Classification Sherloc (09022015). Collection method: clinical testing. Allele origin: germline.
Comment: This sequence change creates a premature translational stop signal (p.Ile670Asnfs*19) in the RASA1 gene. It is expected to result in an absent or disrupted protein product. Loss-of-function variants in RASA1 are known to be pathogenic (PMID: 24038909). This variant is not present in population databases (gnomAD no frequency). This variant has not been reported in the literature in individuals affected with RASA1-related conditions. ClinVar contains an entry for this variant (Variation ID: 3728714). For these reasons, this variant has been classified as Pathogenic.

Literature cited by the submitters: PubMed 24038909.

NM_002890.3(RASA1):c.2008dup (p.Ile670fs)

Genes: CCNH (cyclin H; minus strand), RASA1 (RAS p21 protein activator 1; plus strand). Cytogenetic location: 5q14.3.
Variant type: Duplication.
Coding change: c.2008dup on transcript NM_002890.3 (MANE Select); coding-DNA position 2008, one base duplicated (A; older notation c.2008dupA).
Protein change: p.Ile670fs; shifts the reading frame from isoleucine 670.
Molecular consequence: frameshift variant. On other transcripts: intron variant (1).
Genome position (GRCh38, 1-based): chr5:87,374,913, A duplicated. VCF-style (leftmost placement, unchanged base first): chr5-87374912-T-TA. GRCh37 (hg19) VCF-style: chr5-86670729-T-TA.
Other names: c.1477dup, p.Ile493fs (NM_022650.3); c.933+20131dup (NM_001364075.2); short protein forms I493fs, I670fs.
Identifiers: ClinVar variation 3728714 (VCV003728714.2).